The following is an entry in ClinVar:

NM_032043.3(BRIP1):c.2356T>A (p.Phe786Ile)

Gene: BRIP1 (BRCA1 interacting DNA helicase 1; minus strand). Cytogenetic location: 17q23.2.
Variant type: single nucleotide variant.
Coding change: c.2356T>A on transcript NM_032043.3 (MANE Select); coding-DNA position 2356, T replaced by A.
Protein change: p.Phe786Ile; replaces phenylalanine 786 with isoleucine.
Molecular consequence: missense variant.
Genome position (GRCh38, 1-based): chr17:61,743,036, A>T on the plus strand (T>A on the coding strand, the complement: BRIP1 is on the minus strand). VCF-style: chr17-61743036-A-T. GRCh37 (hg19) VCF-style: chr17-59820397-A-T.
Other names: short protein forms F786I.
Identifiers: ClinVar variation 5033454 (VCV005033454.1).

ClinVar aggregate classification (germline): Uncertain significance (1 of 4 stars; one submission).

Conditions:
Hereditary cancer-predisposing syndrome. Also called: Neoplastic Syndromes, Hereditary; Tumor predisposition; Hereditary neoplastic syndrome; Hereditary Cancer Syndrome. Identifiers: Orphanet 140162, MedGen C0027672, MeSH D009386, MONDO:0015356.

Submission:

Ambry Genetics
Classification: Uncertain significance for Hereditary cancer-predisposing syndrome. Last evaluated: 2026-08-16. Review status: criteria provided, single submitter. Criteria: Ambry Variant Classification Scheme 2023. Collection method: clinical testing. Allele origin: germline.
Comment: The p.F786I variant (also known as c.2356T>A), located in coding exon 15 of the BRIP1 gene, results from a T to A substitution at nucleotide position 2356. The phenylalanine at codon 786 is replaced by isoleucine, an amino acid with highly similar properties. This amino acid position is conserved. In addition, this alteration is predicted to be deleterious by in silico analysis. Based on the available evidence, the clinical significance of this variant remains unclear.